The following is an entry in ClinVar:

ClinVar aggregate classification (germline): Likely benign (1 of 4 stars; one submission).

Allele frequency attached by ClinVar (database versions not stated): ExAC 0.00002; gnomAD 0.00003; TOPMed 0.00004.
gnomAD v4.1: 42 of 1,611,244 alleles (0.0026%); highest among the groups gnomAD compares: Non-Finnish European, 0.0033%; no homozygotes.

Submission:

CeGaT Center for Human Genetics Tuebingen
Classification: Likely benign. Last evaluated: 2024-02-01. Review status: criteria provided, single submitter. Criteria: CeGaT Center For Human Genetics Tuebingen Variant Classification Criteria Version 2. Collection method: clinical testing. Allele origin: germline. Affected: yes. Observed: 1 variant allele.
Comment: MACF1: BP4

NM_001394062.1(MACF1):c.17515C>T (p.Arg5839Cys)

Gene: MACF1 (microtubule actin crosslinking factor 1; plus strand). Cytogenetic location: 1p34.3.
Variant type: single nucleotide variant.
Coding change: c.17515C>T on transcript NM_001394062.1 (MANE Select); coding-DNA position 17515, C replaced by T.
Protein change: p.Arg5839Cys; replaces arginine 5839 with cysteine.
Molecular consequence: missense variant.
Genome position (GRCh38, 1-based): chr1:39,433,105, C>T. VCF-style: chr1-39433105-C-T. GRCh37 (hg19) VCF-style: chr1-39898777-C-T.
Other names: c.5584C>T, p.Arg1862Cys (NM_001397473.1); c.11329C>T, p.Arg3777Cys (NM_012090.5); short protein forms R1862C, R3777C, R5839C.
Identifiers: ClinVar variation 3025982 (VCV003025982.22), dbSNP rs750086011, ClinGen allele CA783626.